The following is an entry in ClinVar:

NM_001127222.2(CACNA1A):c.6917C>T (p.Ala2306Val)

Gene: CACNA1A (calcium voltage-gated channel subunit alpha1 A; minus strand). Cytogenetic location: 19p13.13.
Variant type: single nucleotide variant.
Coding change: c.6917C>T on transcript NM_001127222.2 (MANE Select); coding-DNA position 6917, C replaced by T.
Protein change: p.Ala2306Val; replaces alanine 2306 with valine.
Molecular consequence: missense variant. On other transcripts: 3 prime UTR variant (3).
Genome position (GRCh38, 1-based): chr19:13,207,917, G>A on the plus strand (C>T on the coding strand, the complement: CACNA1A is on the minus strand). VCF-style: chr19-13207917-G-A. GRCh37 (hg19) VCF-style: chr19-13318731-G-A.
Other names: c.6917C>T (NM_001127222.1); c.*129C>T (NM_000068.4, NM_001127221.2, NM_001174080.2); c.6935C>T, p.Ala2312Val (NM_023035.3); short protein forms A2306V, A2312V.
Identifiers: ClinVar variation 4821003 (VCV004821003.5).
Genomic context (GRCh38, chr19:13,207,917, plus strand): 5'-GCCTGCTGCTGCTGCTGCTGCTGCTGCTGCTGCTGCTGCTGCGGGGGCCCCGAGCCGCCG[G>A]CCTTACGGATCACAGGGGAATAGGACACGTGTGGCCGGGGGGTGGAGGGGGTCTGGGGGA-3'
Protein context (NP_001120694.1, residues 2296-2316): HVSYSPVIRK[Ala2306Val]GGSGPPQQQQ

ClinVar aggregate classification (germline): Conflicting classifications of pathogenicity. Review status: criteria provided, conflicting classifications (1 of 4 stars). 2 submissions from 2 submitters: Uncertain significance (1); Likely benign (1). Last evaluated 2026-01-01.

Conditions:
CACNA1A-related disorder. Also called: CACNA1A-related condition.

gnomAD v4.1: 23 of 1,464,138 alleles (0.0016%); highest among the groups gnomAD compares: Admixed American, 0.0024%; no homozygotes.

Submissions (2):

CeGaT Center for Human Genetics Tuebingen
Classification: Likely benign. Last evaluated: 2026-01-01. Review status: criteria provided, single submitter. Criteria: CeGaT Center For Human Genetics Tuebingen Variant Classification Criteria Version 2. Collection method: clinical testing. Allele origin: germline. Affected: yes. Observed: 1 variant allele.
Comment: CACNA1A: PP3, BS1

PreventionGenetics, part of Exact Sciences
Classification: Uncertain significance for CACNA1A-related condition. Last evaluated: 2025-03-24. Review status: criteria provided, single submitter. Criteria: ACMG Guidelines, 2015. Collection method: clinical testing. Allele origin: germline.
Comment: The CACNA1A c.6917C>T variant is predicted to result in the amino acid substitution p.Ala2306Val. To our knowledge, this variant has not been reported in the literature. This variant is reported in 0.011% of alleles in individuals of European (Finnish) descent in gnomAD. At this time, the clinical significance of this variant is uncertain due to the absence of conclusive functional and genetic evidence.